The following is an entry in ClinVar:

ClinVar aggregate classification (germline): Benign/Likely benign. Review status: criteria provided, multiple submitters, no conflicts (2 of 4 stars). 4 submissions from 4 submitters: Benign (2); Likely benign (2). Last evaluated 2025-12-15.

Conditions:
Retinal dystrophy. Also called: Inherited retinal dystrophy. Identifiers: Orphanet 71862, MedGen C0854723, MeSH D058499, MONDO:0019118, HP:0000556.
Retinitis pigmentosa (RP). Identifiers: Orphanet 791, MedGen C0035334, MeSH D012174, MONDO:0019200, OMIM 268000. Inheritance: Autosomal dominant, autosomal recessive and X linked inheritance.

Allele frequency attached by ClinVar (database versions not stated): TOPMed 0.00051; ExAC 0.00063; gnomAD 0.00077; 1000 Genomes Project 30x 0.00250; 1000 Genomes Project 0.00280.
gnomAD v4.1: 334 of 1,613,798 alleles (0.021%); highest among the groups gnomAD compares: East Asian, 0.66%; 1 homozygote.

Submissions (4):

Labcorp Genetics (formerly Invitae), Labcorp
Classification: Likely benign. Last evaluated: 2025-12-15. Review status: criteria provided, single submitter. Criteria: Invitae Variant Classification Sherloc (09022015). Collection method: clinical testing. Allele origin: germline.

Blueprint Genetics
Classification: Likely benign. Last evaluated: 2024-11-15. Review status: criteria provided, single submitter. Criteria: ACMG Guidelines, 2015. Collection method: clinical testing. Allele origin: germline.

Dept Of Ophthalmology, Nagoya University
Classification: Benign for Retinal dystrophy. Last evaluated: 2023-10-01. Review status: criteria provided, single submitter. Criteria: Submitter's publication. Collection method: research. Allele origin: germline. Affected: yes.

Illumina Laboratory Services, Illumina
Classification: Benign for Retinitis pigmentosa. Last evaluated: 2018-01-12. Review status: criteria provided, single submitter. Criteria: ICSL Variant Classification Criteria 13 December 2019. Collection method: clinical testing. Allele origin: germline.
Comment: This variant was observed in the ICSL laboratory as part of a predisposition screen in an ostensibly healthy population. It had not been previously curated by ICSL or reported in the Human Gene Mutation Database (HGMD: prior to June 1st, 2018), and was therefore a candidate for classification through an automated scoring system. Utilizing variant allele frequency, disease prevalence and penetrance estimates, and inheritance mode, an automated score was calculated to assess if this variant is too frequent to cause the disease. Based on the score and internal cut-off values, a variant classified as benign is not then subjected to further curation. The score for this variant resulted in a classification of benign for this disease.

NM_000717.5(CA4):c.531C>A (p.Asn177Lys)

Gene: CA4 (carbonic anhydrase 4; plus strand). Cytogenetic location: 17q23.1.
Variant type: single nucleotide variant.
Coding change: c.531C>A on transcript NM_000717.5 (MANE Select); coding-DNA position 531, C replaced by A.
Protein change: p.Asn177Lys; replaces asparagine 177 with lysine.
Molecular consequence: missense variant. On other transcripts: non-coding transcript variant (1).
Genome position (GRCh38, 1-based): chr17:60,158,078, C>A. VCF-style: chr17-60158078-C-A. GRCh37 (hg19) VCF-style: chr17-58235439-C-A.
Other names: short protein forms N177K.
Identifiers: ClinVar variation 324233 (VCV000324233.17), dbSNP rs185942554, ClinGen allele CA8685417.
Genomic context (GRCh38, chr17:60,158,078, plus strand): 5'-GGCTCCCTGCAGACTTTCTCAAGACCCTTCCCTCCCTTTCCAGGCTGGAACCCAGGTGAA[C>A]GAGGGCTTCCAGCCACTGGTGGAGGCACTGTCTAATATCCCCAAACCTGGTGAGTCAGGA-3'
Protein context (NP_000708.1, residues 167-187): AFLVEAGTQV[Asn177Lys]EGFQPLVEAL